The following is an entry in ClinVar:

ClinVar aggregate classification (germline): Uncertain significance (1 of 4 stars; one submission).

Conditions:
Cardiovascular phenotype. Identifiers: MedGen CN230736.

Submission:

Ambry Genetics
Classification: Uncertain significance for Cardiovascular phenotype. Last evaluated: 2026-04-27. Review status: criteria provided, single submitter. Criteria: Ambry Variant Classification Scheme 2023. Collection method: clinical testing. Allele origin: germline.
Comment: The p.L9F variant (also known as c.25C>T), located in coding exon 1 of the COL1A1 gene, results from a C to T substitution at nucleotide position 25. The leucine at codon 9 is replaced by phenylalanine, an amino acid with highly similar properties. This amino acid position is conserved. In addition, the in silico prediction for this alteration is inconclusive. Based on the available evidence, the clinical significance of this variant remains unclear.

NM_000088.4(COL1A1):c.25C>T (p.Leu9Phe)

Gene: COL1A1 (collagen type I alpha 1 chain; minus strand). Cytogenetic location: 17q21.33.
Variant type: single nucleotide variant.
Coding change: c.25C>T on transcript NM_000088.4 (MANE Select); coding-DNA position 25, C replaced by T.
Protein change: p.Leu9Phe; replaces leucine 9 with phenylalanine.
Molecular consequence: missense variant.
Genome position (GRCh38, 1-based): chr17:50,201,489, G>A on the plus strand (C>T on the coding strand, the complement: COL1A1 is on the minus strand). VCF-style: chr17-50201489-G-A. GRCh37 (hg19) VCF-style: chr17-48278850-G-A.
Other names: short protein forms L9F.
Identifiers: ClinVar variation 4869109 (VCV004869109.1).